The following is an entry in ClinVar:

NC_012920.1(MT-TG):m.10020T>C

Gene: MT-TG (mitochondrially encoded tRNA glycine; plus strand).
Variant type: single nucleotide variant.
Genome position: chrM-10020-T-C.
Identifiers: ClinVar variation 690100 (VCV000690100.1), dbSNP rs1603222636, ClinGen allele CA913161564.

ClinVar aggregate classification (germline): Uncertain significance (1 of 4 stars; one submission).

Conditions:
MELAS syndrome (MELAS). Also called: Juvenile myopathy, encephalopathy, lactic acidosis, stroke. Identifiers: Orphanet 550, MedGen C0162671, MONDO:0010789, OMIM 540000.

Submission:

Wong Mito Lab, Molecular and Human Genetics, Baylor College of Medicine
Classification: Uncertain significance for MELAS syndrome. Last evaluated: 2019-07-12. Review status: criteria provided, single submitter. Criteria: Modified ACMG Guidelines (Unpublished). Collection method: clinical testing. Allele origin: germline.
Comment: The NC_012920.1:m.10020T>C variant in MT-TG gene is interpreted to be a Unknown Significance variant based on the modified ACMG guidelines (unpublished). This variant meets the following evidence codes reported in the guidelines: BP4

Literature cited by the submitters: PubMed 31965079.